The following is an entry in ClinVar:

NM_001256789.3(CACNA1F):c.3420T>A (p.Cys1140Ter)

Gene: CACNA1F (calcium voltage-gated channel subunit alpha1 F; minus strand). Cytogenetic location: Xp11.23.
Variant type: single nucleotide variant.
Coding change: c.3420T>A on transcript NM_001256789.3 (MANE Select); coding-DNA position 3420, T replaced by A.
Protein change: p.Cys1140Ter; replaces cysteine 1140 with a stop codon.
Molecular consequence: nonsense.
Genome position (GRCh38, 1-based): chrX:49,215,360, A>T on the plus strand (T>A on the coding strand, the complement: CACNA1F is on the minus strand). VCF-style: chrX-49215360-A-T. GRCh37 (hg19) VCF-style: chrX-49071820-A-T.
Other names: c.3258T>A, p.Cys1086Ter (NM_001256790.3); c.3453T>A, p.Cys1151Ter (NM_005183.4); short protein forms C1140*, C1086*, C1151*.
Identifiers: ClinVar variation 4719496 (VCV004719496.1).

ClinVar aggregate classification (germline): Pathogenic (1 of 4 stars; one submission).

Submission:

Labcorp Genetics (formerly Invitae), Labcorp
Classification: Pathogenic. Last evaluated: 2025-05-13. Review status: criteria provided, single submitter. Criteria: Invitae Variant Classification Sherloc (09022015). Collection method: clinical testing. Allele origin: germline.
Comment: This sequence change creates a premature translational stop signal (p.Cys1151*) in the CACNA1F gene. It is expected to result in an absent or disrupted protein product. Loss-of-function variants in CACNA1F are known to be pathogenic (PMID: 9662399, 11281458, 17525176, 22194652, 24124559, 26992781). This variant is not present in population databases (gnomAD no frequency). This variant has not been reported in the literature in individuals affected with CACNA1F-related conditions. For these reasons, this variant has been classified as Pathogenic.

Literature cited by the submitters: PubMed 9662399; PubMed 11281458; PubMed 17525176; PubMed 22194652; PubMed 24124559; PubMed 26992781.